The following is an entry in ClinVar:

ClinVar aggregate classification (germline): Benign/Likely benign. Review status: criteria provided, multiple submitters, no conflicts (2 of 4 stars). 2 submissions from 2 submitters: Benign (1); Likely benign (1). Last evaluated 2024-10-22.

Conditions:
Duchenne muscular dystrophy (DMD). Also called: MUSCULAR DYSTROPHY, PSEUDOHYPERTROPHIC PROGRESSIVE, DUCHENNE TYPE; Duchenne Muscular Dystrophy (DMD). Identifiers: Orphanet 98896, MedGen C0013264, MONDO:0010679, OMIM 310200.

Allele frequency attached by ClinVar (database versions not stated): TOPMed 0.00001; gnomAD exomes 0.00002 and 0.00007; ExAC 0.00006.

Submissions (2):

Labcorp Genetics (formerly Invitae), Labcorp
Classification: Benign for Duchenne muscular dystrophy. Last evaluated: 2024-10-22. Review status: criteria provided, single submitter. Criteria: Invitae Variant Classification Sherloc (09022015). Collection method: clinical testing. Allele origin: germline.

GeneDx
Classification: Likely benign. Last evaluated: 2018-05-02. Review status: criteria provided, single submitter. Criteria: GeneDx Variant Classification (06012015). Collection method: clinical testing. Allele origin: germline. Affected: yes.
Comment: This variant is considered likely benign or benign based on one or more of the following criteria: it is a conservative change, it occurs at a poorly conserved position in the protein, it is predicted to be benign by multiple in silico algorithms, and/or has population frequency not consistent with disease.

NM_004006.3(DMD):c.2080A>T (p.Ile694Phe)

Gene: DMD (dystrophin; minus strand). Cytogenetic location: Xp21.1.
Variant type: single nucleotide variant.
Coding change: c.2080A>T on transcript NM_004006.3 (MANE Select); coding-DNA position 2080, A replaced by T.
Protein change: p.Ile694Phe; replaces isoleucine 694 with phenylalanine.
Molecular consequence: missense variant.
Genome position (GRCh38, 1-based): chrX:32,545,247, T>A on the plus strand (A>T on the coding strand, the complement: DMD is on the minus strand). VCF-style: chrX-32545247-T-A. GRCh37 (hg19) VCF-style: chrX-32563364-T-A.
Other names: c.2056A>T, p.Ile686Phe (NM_000109.4); c.2068A>T, p.Ile690Phe (NM_004009.3); c.1711A>T, p.Ile571Phe (NM_004010.3); short protein forms I694F, I571F, I690F, I686F.
Identifiers: ClinVar variation 682359 (VCV000682359.10), dbSNP rs777042810, ClinGen allele CA10379643.